The following is an entry in ClinVar:

NM_020922.5(WNK3):c.4268G>T (p.Ser1423Ile)

Gene: WNK3 (WNK lysine deficient protein kinase 3; minus strand). Cytogenetic location: Xp11.22.
Variant type: single nucleotide variant.
Coding change: c.4268G>T on transcript NM_020922.5 (MANE Select); coding-DNA position 4268, G replaced by T.
Protein change: p.Ser1423Ile; replaces serine 1423 with isoleucine.
Molecular consequence: missense variant.
Genome position (GRCh38, 1-based): chrX:54,237,298, C>A on the plus strand (G>T on the coding strand, the complement: WNK3 is on the minus strand). VCF-style: chrX-54237298-C-A. GRCh37 (hg19) VCF-style: chrX-54263731-C-A.
Other names: c.4127G>T, p.Ser1376Ile (NM_001002838.4, NM_001395166.1); short protein forms S1376I, S1423I.
Identifiers: ClinVar variation 2581961 (VCV002581961.2), dbSNP rs2520315859, ClinGen allele CA413342237.

ClinVar aggregate classification (germline): Uncertain significance (1 of 4 stars; one submission).

Submission:

GeneDx
Classification: Uncertain significance. Last evaluated: 2024-01-18. Review status: criteria provided, single submitter. Criteria: GeneDx Variant Classification Process June 2021. Collection method: clinical testing. Allele origin: germline. Affected: yes.
Comment: Not observed at significant frequency in large population cohorts (gnomAD); In silico analysis supports that this missense variant has a deleterious effect on protein structure/function; Has not been previously published as pathogenic or benign to our knowledge